The following is an entry in ClinVar:

ClinVar aggregate classification (germline): Uncertain significance (1 of 4 stars; one submission).

Allele frequency attached by ClinVar (database versions not stated): gnomAD exomes below 0.00001.
gnomAD v4.1: 5 of 1,613,542 alleles (0.00031%); highest among the groups gnomAD compares: Non-Finnish European, 0.00042%; no homozygotes.

Submission:

Labcorp Genetics (formerly Invitae), Labcorp
Classification: Uncertain significance. Last evaluated: 2025-11-13. Review status: criteria provided, single submitter. Criteria: Invitae Variant Classification Sherloc (09022015). Collection method: clinical testing. Allele origin: germline.
Comment: This sequence change replaces glycine, which is neutral and non-polar, with arginine, which is basic and polar, at codon 958 of the RAI1 protein (p.Gly958Arg). This variant is not present in population databases (gnomAD no frequency). This variant has not been reported in the literature in individuals affected with RAI1-related conditions. ClinVar contains an entry for this variant (Variation ID: 1926213). Invitae Evidence Modeling of protein sequence and biophysical properties (such as structural, functional, and spatial information, amino acid conservation, physicochemical variation, residue mobility, and thermodynamic stability) indicates that this missense variant is not expected to disrupt RAI1 protein function with a negative predictive value of 80%. In summary, the available evidence is currently insufficient to determine the role of this variant in disease. Therefore, it has been classified as a Variant of Uncertain Significance.

NM_030665.4(RAI1):c.2872G>A (p.Gly958Arg)

Gene: RAI1 (retinoic acid induced 1; plus strand). Cytogenetic location: 17p11.2.
Variant type: single nucleotide variant.
Coding change: c.2872G>A on transcript NM_030665.4 (MANE Select); coding-DNA position 2872, G replaced by A.
Protein change: p.Gly958Arg; replaces glycine 958 with arginine.
Molecular consequence: missense variant.
Genome position (GRCh38, 1-based): chr17:17,795,820, G>A. VCF-style: chr17-17795820-G-A. GRCh37 (hg19) VCF-style: chr17-17699134-G-A.
Other names: short protein forms G958R.
Identifiers: ClinVar variation 1926213 (VCV001926213.5), dbSNP rs1039244355, ClinGen allele CA288370100.